The following is an entry in ClinVar:

NM_001378964.1(CDON):c.3631+9G>A

Gene: CDON (cell adhesion associated, oncogene regulated; minus strand). Cytogenetic location: 11q24.2.
Variant type: single nucleotide variant.
Coding change: c.3631+9G>A on transcript NM_001378964.1 (MANE Select); 9 bases into the intron after coding-DNA position 3631, G replaced by A.
Molecular consequence: intron variant. On other transcripts: missense variant (3).
Genome position (GRCh38, 1-based): chr11:125,961,715, C>T on the plus strand (G>A on the coding strand, the complement: CDON is on the minus strand). VCF-style: chr11-125961715-C-T. GRCh37 (hg19) VCF-style: chr11-125831610-C-T.
Other names: c.3640G>A, p.Gly1214Ser (NM_001243597.3, NM_001441161.1, NM_001441162.1); c.3631+9G>A (NM_001441166.1, NM_016952.6, NM_001441164.1 and 2 more transcripts); short protein forms G1214S.
Identifiers: ClinVar variation 1600761 (VCV001600761.10), dbSNP rs189386496, ClinGen allele CA6351360.
Genomic context (GRCh38, chr11:125,961,715, plus strand): 5'-CTTCCCATACACAGCTCTTAGCTAACTGAAGATGATCTGGAATCCTAAGGTTGATCATGC[C>T]TTCCTGACCTCTGCTGAACTCTGCTGGATCTTCTGAGCCATCAGAGCTGACGTCATTTAC-3'

ClinVar aggregate classification (germline): Benign. Review status: criteria provided, single submitter (1 of 4 stars). 2 submissions from 2 submitters: Benign (1). 1 of the submissions does not count toward it. Last evaluated 2026-01-06.

Conditions:
Holoprosencephaly 11 (HPE11). Identifiers: Orphanet 2162, MedGen C3280215, MONDO:0013642, OMIM 614226.
CDON-related disorder. Also called: CDON-related condition.

Allele frequency attached by ClinVar (database versions not stated): 1000 Genomes Project 0.00020; gnomAD 0.00037 and 0.00039; TOPMed 0.00013; ESP Exome Variant Server 0.00008; 1000 Genomes Project 30x 0.00016.

Submissions (2):

Labcorp Genetics (formerly Invitae), Labcorp
Classification: Benign for Holoprosencephaly 11. Last evaluated: 2026-01-06. Review status: criteria provided, single submitter. Criteria: Invitae Variant Classification Sherloc (09022015). Collection method: clinical testing. Allele origin: germline.

PreventionGenetics, part of Exact Sciences
Classification: Likely benign for CDON-related condition. Last evaluated: 2023-04-06. Review status: no assertion criteria provided. Collection method: clinical testing. Allele origin: germline. Not counted in ClinVar's aggregate classification.
Comment: This variant is classified as likely benign based on ACMG/AMP sequence variant interpretation guidelines (Richards et al. 2015 PMID: 25741868, with internal and published modifications).